The following is an entry in ClinVar:

NM_005002.5(NDUFA9):c.383A>G (p.Asn128Ser)

Gene: NDUFA9 (NADH:ubiquinone oxidoreductase subunit A9; plus strand). Cytogenetic location: 12p13.32.
Variant type: single nucleotide variant.
Coding change: c.383A>G on transcript NM_005002.5 (MANE Select); coding-DNA position 383, A replaced by G.
Protein change: p.Asn128Ser; replaces asparagine 128 with serine.
Molecular consequence: missense variant.
Genome position (GRCh38, 1-based): chr12:4,657,812, A>G. VCF-style: chr12-4657812-A-G. GRCh37 (hg19) VCF-style: chr12-4766978-A-G.
Other names: short protein forms N128S.
Identifiers: ClinVar variation 1969354 (VCV001969354.6), dbSNP rs1945799878, ClinGen allele CA383449860.
Genomic context (GRCh38, chr12:4,657,812, plus strand): 5'-GGGACGCGAGAGATAAAGATTCTATCCGACGAGTAGTACAACACAGCAATGTGGTCATCA[A>G]TCTTATTGGACGAGACTGGGAAACCAAGTAAGTCTTTGACTCTTGTTTCTTCTTTGCTTA-3'
Protein context (NP_004993.1, residues 118-138): RVVQHSNVVI[Asn128Ser]LIGRDWETKN

ClinVar aggregate classification (germline): Uncertain significance. Review status: criteria provided, multiple submitters, no conflicts (2 of 4 stars). 2 submissions from 2 submitters: Uncertain significance (2). Last evaluated 2025-06-16.

Allele frequency attached by ClinVar (database versions not stated): gnomAD exomes 0.00001.
gnomAD v4.1: 7 of 1,613,602 alleles (0.00043%); highest among the groups gnomAD compares: East Asian, 0.0067%; no homozygotes.

Submissions (2):

GeneDx
Classification: Uncertain significance. Last evaluated: 2025-06-16. Review status: criteria provided, single submitter. Criteria: GeneDx Variant Classification Process June 2021. Collection method: clinical testing. Allele origin: germline. Affected: yes.
Comment: Not observed at significant frequency in large population cohorts (gnomAD); In silico analysis supports that this missense variant has a deleterious effect on protein structure/function; Has not been previously published as pathogenic or benign to our knowledge

Labcorp Genetics (formerly Invitae), Labcorp
Classification: Uncertain significance. Last evaluated: 2022-02-23. Review status: criteria provided, single submitter. Criteria: Invitae Variant Classification Sherloc (09022015). Collection method: clinical testing. Allele origin: germline.
Comment: This sequence change replaces asparagine, which is neutral and polar, with serine, which is neutral and polar, at codon 128 of the NDUFA9 protein (p.Asn128Ser). This variant is not present in population databases (gnomAD no frequency). This variant has not been reported in the literature in individuals affected with NDUFA9-related conditions. Algorithms developed to predict the effect of missense changes on protein structure and function are either unavailable or do not agree on the potential impact of this missense change (SIFT: "Deleterious"; PolyPhen-2: "Possibly Damaging"; Align-GVGD: "Class C0"). In summary, the available evidence is currently insufficient to determine the role of this variant in disease. Therefore, it has been classified as a Variant of Uncertain Significance.